The following is an entry in ClinVar:

NM_021116.4(ADCY1):c.1442G>A (p.Arg481His)

Gene: ADCY1 (adenylate cyclase 1; plus strand). Cytogenetic location: 7p12.3.
Variant type: single nucleotide variant.
Coding change: c.1442G>A on transcript NM_021116.4 (MANE Select); coding-DNA position 1442, G replaced by A.
Protein change: p.Arg481His; replaces arginine 481 with histidine.
Molecular consequence: missense variant.
Genome position (GRCh38, 1-based): chr7:45,660,176, G>A. VCF-style: chr7-45660176-G-A. GRCh37 (hg19) VCF-style: chr7-45699775-G-A.
Other names: c.767G>A, p.Arg256His (NM_001281768.2); short protein forms R481H, R256H.
Identifiers: ClinVar variation 2025930 (VCV002025930.4), dbSNP rs2484104210, ClinGen allele CA367451431.
Genomic context (GRCh38, chr7:45,660,176, plus strand): 5'-AGAGGAACAGTTTCTTGAAAACTCATAACATCGAAACCTTTTTTATTGTGCCATCCCATC[G>A]CCGAAAGGTAGGCACCAGAGCCCCCCTCATTTGGTTGATCCTTAGCTTCTTGGCCTGTGC-3'
Protein context (NP_066939.1, residues 471-491): IETFFIVPSH[Arg481His]RKIFPGLILS

ClinVar aggregate classification (germline): Uncertain significance (1 of 4 stars; one submission).

Submission:

Labcorp Genetics (formerly Invitae), Labcorp
Classification: Uncertain significance. Last evaluated: 2022-08-22. Review status: criteria provided, single submitter. Criteria: Invitae Variant Classification Sherloc (09022015). Collection method: clinical testing. Allele origin: germline.
Comment: This sequence change replaces arginine, which is basic and polar, with histidine, which is basic and polar, at codon 481 of the ADCY1 protein (p.Arg481His). This variant is not present in population databases (gnomAD no frequency). This variant has not been reported in the literature in individuals affected with ADCY1-related conditions. Algorithms developed to predict the effect of missense changes on protein structure and function are either unavailable or do not agree on the potential impact of this missense change (SIFT: "Deleterious"; PolyPhen-2: "Benign"; Align-GVGD: "Class C0"). In summary, the available evidence is currently insufficient to determine the role of this variant in disease. Therefore, it has been classified as a Variant of Uncertain Significance.